The following is an entry in ClinVar:

NM_000073.3(CD3G):c.205A>T (p.Lys69Ter)

Genes: CD3G (CD3 gamma subunit of T-cell receptor complex; plus strand), LOC126861358 (BRD4-independent group 4 enhancer GRCh37_chr11:118220212-118221411; plus strand). Cytogenetic location: 11q23.3.
Variant type: single nucleotide variant.
Coding change: c.205A>T on transcript NM_000073.3 (MANE Select); coding-DNA position 205, A replaced by T.
Protein change: p.Lys69Ter; replaces lysine 69 with a stop codon.
Molecular consequence: nonsense.
Genome position (GRCh38, 1-based): chr11:118,349,868, A>T. VCF-style: chr11-118349868-A-T. GRCh37 (hg19) VCF-style: chr11-118220583-A-T.
Other names: short protein forms K69*.
Identifiers: ClinVar variation 100626 (VCV000100626.17), dbSNP rs199676861, ClinGen allele CA150563.
Genomic context (GRCh38, chr11:118,349,868, plus strand): 5'-GAAGCCAAAAATATCACATGGTTTAAAGATGGGAAGATGATCGGCTTCCTAACTGAAGAT[A>T]AAAAAAAATGGAATCTGGGAAGTAATGCCAAGGACCCTCGAGGGATGTATCAGTGTAAAG-3'

ClinVar aggregate classification (germline): Pathogenic. Review status: criteria provided, multiple submitters, no conflicts (2 of 4 stars). 8 submissions from 8 submitters: Pathogenic (5). 3 of the submissions do not count toward it. Last evaluated 2026-02-13.

Conditions:
CD3G-related disorder. Also called: CD3G-related condition.
Combined immunodeficiency due to CD3gamma deficiency. Also called: CD3-GAMMA DEFICIENCY; SCID-LIKE IMMUNODEFICIENCY, T CELL-PARTIAL, B CELL-POSITIVE, NK CELL-POSITIVE; Immunodeficiency 17; Immunodeficiency 17, CD3 gamma deficient. Identifiers: Orphanet 169082, MedGen C3810107, MONDO:0014276, OMIM 615607.

Allele frequency attached by ClinVar (database versions not stated): gnomAD 0.00003 and 0.00005; TOPMed 0.00004; gnomAD exomes 0.00005 and 0.00007; ExAC 0.00008.
gnomAD v4.1: 78 of 1,583,362 alleles (0.0049%); highest among the groups gnomAD compares: Non-Finnish European, 0.0046%; 1 homozygote.

Submissions (8):

OLLIN Analises Genomicas, OLLIN
Classification: Pathogenic for Combined immunodeficiency due to CD3gamma deficiency. Last evaluated: 2026-02-13. Review status: criteria provided, single submitter. Criteria: ACMG Guidelines 2015 PMID 25741868. Collection method: clinical testing. Allele origin: germline. Observed: 1 variant allele.
Comment: PVS1, PM2_P, PM3_S, PP1

PreventionGenetics, part of Exact Sciences
Classification: Pathogenic for CD3G-related condition. Last evaluated: 2024-12-20. Review status: criteria provided, single submitter. Criteria: ACMG Guidelines, 2015. Collection method: clinical testing. Allele origin: germline.
Comment: The CD3G c.205A>T variant is predicted to result in premature protein termination (p.Lys69*). This variant has been reported in the homozygous state in two unrelated individuals with variable features of combined immunodeficiency due to complete CD3-gamma deficiency (Recio et al. 2007. PubMed ID: 17277165). This variant was further shown to co-segregate with disease in multiple relatives across both families (same study). This variant is reported in 0.041% of alleles in individuals of European (Finnish) descent in gnomAD. Nonsense variants in CD3G are expected to be pathogenic. This variant is interpreted as pathogenic.

Labcorp Genetics (formerly Invitae), Labcorp
Classification: Pathogenic for Combined immunodeficiency due to CD3gamma deficiency. Last evaluated: 2024-04-11. Review status: criteria provided, single submitter. Criteria: Invitae Variant Classification Sherloc (09022015). Collection method: clinical testing. Allele origin: germline.
Comment: This sequence change creates a premature translational stop signal (p.Lys69*) in the CD3G gene. It is expected to result in an absent or disrupted protein product. Loss-of-function variants in CD3G are known to be pathogenic (PMID: 1635567, 17277165, 24910257). This variant is present in population databases (rs199676861, gnomAD 0.04%). This premature translational stop signal has been observed in individual(s) with clinical features of combined immunodeficiency (PMID: 17277165). It has also been observed to segregate with disease in related individuals. ClinVar contains an entry for this variant (Variation ID: 100626). For these reasons, this variant has been classified as Pathogenic.

Genomic Medicine Center of Excellence, King Faisal Specialist Hospital and Research Centre
Classification: Pathogenic for Combined immunodeficiency due to CD3gamma deficiency. Last evaluated: 2024-03-26. Review status: criteria provided, single submitter. Criteria: ACMG Guidelines, 2015. Collection method: clinical testing. Allele origin: germline.

Fulgent Genetics
Classification: Pathogenic for Combined immunodeficiency due to CD3gamma deficiency. Last evaluated: 2024-01-09. Review status: criteria provided, single submitter. Criteria: ACMG Guidelines, 2015. Collection method: clinical testing. Allele origin: germline.

OMIM
Classification: Pathogenic for IMMUNODEFICIENCY 17. Last evaluated: 2007-02-15. Review status: no assertion criteria provided. Collection method: literature only. Allele origin: germline. Not counted in ClinVar's aggregate classification.

Genome Diagnostics Laboratory, University Medical Center Utrecht
Classification: Likely pathogenic. Review status: no assertion criteria provided. Collection method: clinical testing. Allele origin: germline. Affected: yes. Study: VKGL Data-share Consensus. Not counted in ClinVar's aggregate classification.

Joint Genome Diagnostic Labs from Nijmegen and Maastricht, Radboudumc and MUMC+
Classification: Likely pathogenic. Review status: no assertion criteria provided. Collection method: clinical testing. Allele origin: germline. Affected: yes. Study: VKGL Data-share Consensus. Not counted in ClinVar's aggregate classification.

Literature cited by the submitters: PubMed 1635567 (cited by Labcorp Genetics (formerly Invitae), Labcorp); PubMed 17277165 (cited by Labcorp Genetics (formerly Invitae), Labcorp and OMIM); PubMed 24910257 (cited by Labcorp Genetics (formerly Invitae), Labcorp).